The following is an entry in ClinVar:

NM_004304.5(ALK):c.2032G>C (p.Asp678His)

Gene: ALK (ALK receptor tyrosine kinase; minus strand). Cytogenetic location: 2p23.2.
Variant type: single nucleotide variant.
Coding change: c.2032G>C on transcript NM_004304.5 (MANE Select); coding-DNA position 2032, G replaced by C.
Protein change: p.Asp678His; replaces aspartic acid 678 with histidine.
Molecular consequence: missense variant.
Genome position (GRCh38, 1-based): chr2:29,275,108, C>G on the plus strand (G>C on the coding strand, the complement: ALK is on the minus strand). VCF-style: chr2-29275108-C-G. GRCh37 (hg19) VCF-style: chr2-29497974-C-G.
Other names: c.2032G>C (NM_004304.4); short protein forms D678H.
Identifiers: ClinVar variation 1002333 (VCV001002333.10), dbSNP rs892131322, ClinGen allele CA44665377.

ClinVar aggregate classification (germline): Uncertain significance. Review status: criteria provided, multiple submitters, no conflicts (2 of 4 stars). 3 submissions from 3 submitters: Uncertain significance (3). Last evaluated 2025-06-25.

Conditions:
Hereditary cancer-predisposing syndrome. Also called: Hereditary neoplastic syndrome; Neoplastic Syndromes, Hereditary; Tumor predisposition; Hereditary Cancer Syndrome. Identifiers: Orphanet 140162, MedGen C0027672, MeSH D009386, MONDO:0015356.
Neuroblastoma, susceptibility to, 3. Also called: ALK-Related Neuroblastic Tumor Susceptibility. Identifiers: Orphanet 635, MedGen C2751681, MONDO:0013083, OMIM 613014.

Allele frequency attached by ClinVar (database versions not stated): gnomAD exomes below 0.00001; TOPMed 0.00001.
gnomAD v4.1: 1 of 1,614,116 alleles (0.000062%); highest among the groups gnomAD compares: South Asian, 0.0011%; no homozygotes.

Submissions (3):

Labcorp Genetics (formerly Invitae), Labcorp
Classification: Uncertain significance for Neuroblastoma, susceptibility to, 3. Last evaluated: 2025-06-25. Review status: criteria provided, single submitter. Criteria: Invitae Variant Classification Sherloc (09022015). Collection method: clinical testing. Allele origin: germline.
Comment: This sequence change replaces aspartic acid, which is acidic and polar, with histidine, which is basic and polar, at codon 678 of the ALK protein (p.Asp678His). This variant is present in population databases (no rsID available, gnomAD 0.003%). This variant has not been reported in the literature in individuals affected with ALK-related conditions. ClinVar contains an entry for this variant (Variation ID: 1002333). An algorithm developed to predict the effect of missense changes on protein structure and function (PolyPhen-2) suggests that this variant is likely to be disruptive. In summary, the available evidence is currently insufficient to determine the role of this variant in disease. Therefore, it has been classified as a Variant of Uncertain Significance.

Baylor Genetics
Classification: Uncertain significance for Neuroblastoma, susceptibility to, 3. Last evaluated: 2024-01-25. Review status: criteria provided, single submitter. Criteria: ACMG Guidelines, 2015. Collection method: clinical testing. Allele origin: unknown.

Ambry Genetics
Classification: Uncertain significance for Hereditary cancer-predisposing syndrome. Last evaluated: 2023-12-29. Review status: criteria provided, single submitter. Criteria: Ambry Variant Classification Scheme 2023. Collection method: clinical testing. Allele origin: germline.
Comment: The p.D678H variant (also known as c.2032G>C), located in coding exon 11 of the ALK gene, results from a G to C substitution at nucleotide position 2032. The aspartic acid at codon 678 is replaced by histidine, an amino acid with similar properties. This amino acid position is conserved. In addition, the in silico prediction for this alteration is inconclusive. Since supporting evidence is limited at this time, the clinical significance of this alteration remains unclear.